The following is an entry in ClinVar:

ClinVar aggregate classification (germline): Benign/Likely benign. Review status: criteria provided, multiple submitters, no conflicts (2 of 4 stars). 6 submissions from 6 submitters: Benign (2); Likely benign (2). 2 of the submissions do not count toward it. Last evaluated 2026-01-28.

Conditions:
Deficiency of ferroxidase (ACEP). Also called: Aceruloplasminemia; Ceruloplasmin deficiency; Familial apoceruloplasmin deficiency; Hereditary ceruloplasmin deficiency; Deficiency of ceruloplasmin; NEURODEGENERATION WITH BRAIN IRON ACCUMULATION 10. Identifiers: Orphanet 48818, MedGen C0878682, MONDO:0011426, OMIM 604290, HP:0025498.

Allele frequency attached by ClinVar (database versions not stated): gnomAD exomes 0.00128 and 0.00357; ExAC 0.00421; TOPMed 0.00942; gnomAD 0.00967 and 0.01016; 1000 Genomes Project 0.01178; 1000 Genomes Project 30x 0.01296.
gnomAD v4.1: 3,147 of 1,542,058 alleles (0.2%); highest among the groups gnomAD compares: African/African-American, 3.3%; 66 homozygotes.

Submissions (12):

Labcorp Genetics (formerly Invitae), Labcorp
Classification: Benign for Deficiency of ferroxidase. Last evaluated: 2026-01-28. Review status: criteria provided, single submitter. Criteria: Invitae Variant Classification Sherloc (09022015). Collection method: clinical testing. Allele origin: germline.

GeneDx
Classification: Likely benign. Last evaluated: 2021-06-14. Review status: criteria provided, single submitter. Criteria: GeneDx Variant Classification Process June 2021. Collection method: clinical testing. Allele origin: germline. Affected: yes.

Illumina Laboratory Services, Illumina
Classification: Benign for Deficiency of ferroxidase. Last evaluated: 2018-01-13. Review status: criteria provided, single submitter. Criteria: ICSL Variant Classification Criteria 13 December 2019. Collection method: clinical testing. Allele origin: germline.
Comment: This variant was observed in the ICSL laboratory as part of a predisposition screen in an ostensibly healthy population. It had not been previously curated by ICSL or reported in the Human Gene Mutation Database (HGMD: prior to June 1st, 2018), and was therefore a candidate for classification through an automated scoring system. Utilizing variant allele frequency, disease prevalence and penetrance estimates, and inheritance mode, an automated score was calculated to assess if this variant is too frequent to cause the disease. Based on the score and internal cut-off values, a variant classified as benign is not then subjected to further curation. The score for this variant resulted in a classification of benign for this disease.

Breakthrough Genomics
Classification: Likely benign. Review status: criteria provided, single submitter. Criteria: ACMG Guidelines, 2015. Collection method: not provided. Allele origin: germline. Inheritance: Autosomal recessive inheritance. Affected: yes.

Dr. Peter K. Rogan Lab, Western University
No classification provided (evidence only). Condition: Familial cancer of breast. Review status: no classification provided. Collection method: in vitro. Allele origin: not applicable. Functional consequence: retained intron. Not counted in ClinVar's aggregate classification.

Dr. Peter K. Rogan Lab, Western University
No classification provided (evidence only). Condition: Uterine corpus endometrial carcinoma. Review status: no classification provided. Collection method: in vitro. Allele origin: not applicable. Functional consequence: retained intron. Not counted in ClinVar's aggregate classification.

Dr. Peter K. Rogan Lab, Western University
No classification provided (evidence only). Condition: Malignant lymphoma, large B-cell, diffuse. Review status: no classification provided. Collection method: in vitro. Allele origin: not applicable. Functional consequence: retained intron. Not counted in ClinVar's aggregate classification.

Dr. Peter K. Rogan Lab, Western University
No classification provided (evidence only). Condition: Ovarian serous cystadenocarcinoma. Review status: no classification provided. Collection method: in vitro. Allele origin: not applicable. Functional consequence: retained intron. Not counted in ClinVar's aggregate classification.

Dr. Peter K. Rogan Lab, Western University
No classification provided (evidence only). Condition: Ovarian serous cystadenocarcinoma. Review status: no classification provided. Collection method: in vitro. Allele origin: not applicable. Functional consequence: retained intron. Not counted in ClinVar's aggregate classification.

Dr. Peter K. Rogan Lab, Western University
No classification provided (evidence only). Condition: Uterine carcinosarcoma. Review status: no classification provided. Collection method: in vitro. Allele origin: not applicable. Functional consequence: retained intron. Not counted in ClinVar's aggregate classification.

Genome Diagnostics Laboratory, Amsterdam University Medical Center
Classification: Likely benign. Review status: no assertion criteria provided. Collection method: clinical testing. Allele origin: germline. Affected: yes. Study: VKGL Data-share Consensus. Not counted in ClinVar's aggregate classification.

Joint Genome Diagnostic Labs from Nijmegen and Maastricht, Radboudumc and MUMC+
Classification: Benign. Review status: no assertion criteria provided. Collection method: clinical testing. Allele origin: germline. Affected: yes. Study: VKGL Data-share Consensus. Not counted in ClinVar's aggregate classification.

NM_000096.4(CP):c.2286-12T>G

Gene: CP (ceruloplasmin; minus strand). Cytogenetic location: 3q24.
Variant type: single nucleotide variant.
Coding change: c.2286-12T>G on transcript NM_000096.4 (MANE Select); 12 bases into the intron before coding-DNA position 2286, T replaced by G.
Molecular consequence: intron variant.
Genome position (GRCh38, 1-based): chr3:149,183,617, A>C on the plus strand (T>G on the coding strand, the complement: CP is on the minus strand). VCF-style: chr3-149183617-A-C. GRCh37 (hg19) VCF-style: chr3-148901404-A-C.
Identifiers: ClinVar variation 343759 (VCV000343759.20), dbSNP rs183671127, ClinGen allele CA2660796.